The following is an entry in ClinVar:

NM_016151.4(TAOK2):c.3302A>G (p.Gln1101Arg)

Gene: TAOK2 (TAO kinase 2; plus strand). Cytogenetic location: 16p11.2.
Variant type: single nucleotide variant.
Coding change: c.3302A>G on transcript NM_016151.4 (MANE Select); coding-DNA position 3302, A replaced by G.
Protein change: p.Gln1101Arg; replaces glutamine 1101 with arginine.
Molecular consequence: missense variant. On other transcripts: intron variant (1).
Genome position (GRCh38, 1-based): chr16:29,987,574, A>G. VCF-style: chr16-29987574-A-G. GRCh37 (hg19) VCF-style: chr16-29998895-A-G.
Other names: c.2963A>G, p.Gln988Arg (NM_001252043.2); c.2232+1070A>G (NM_004783.4); c.3302A>G (NM_016151.2); short protein forms Q1101R, Q988R.
Identifiers: ClinVar variation 1375112 (VCV001375112.8), dbSNP rs200281592, ClinGen allele CA7998540.
Genomic context (GRCh38, chr16:29,987,574, plus strand): 5'-TATCTCGACTCTGGTTGCGGGTTCTGCTGCGCCTGTCACCCATGGCCTTCCGGGCCCTGC[A>G]GGGCTGTGGGGCTGTGGGGGACCGGGGTCTGTTTGCACTGTACCCCAAAACCAACAAGGA-3'
Protein context (NP_057235.2, residues 1091-1111): RLSPMAFRAL[Gln1101Arg]GCGAVGDRGL

ClinVar aggregate classification (germline): Uncertain significance. Review status: criteria provided, multiple submitters, no conflicts (2 of 4 stars). 2 submissions from 2 submitters: Uncertain significance (2). Last evaluated 2026-01-03.

Allele frequency attached by ClinVar (database versions not stated): ExAC 0.00003; gnomAD 0.00006; gnomAD exomes 0.00006 and 0.00009; TOPMed 0.00012; 1000 Genomes Project 30x 0.00016.
gnomAD v4.1: 133 of 1,612,564 alleles (0.0082%); highest among the groups gnomAD compares: Admixed American, 0.022%; no homozygotes.

Submissions (2):

Labcorp Genetics (formerly Invitae), Labcorp
Classification: Uncertain significance. Last evaluated: 2026-01-03. Review status: criteria provided, single submitter. Criteria: Invitae Variant Classification Sherloc (09022015). Collection method: clinical testing. Allele origin: germline.
Comment: This sequence change replaces glutamine, which is neutral and polar, with arginine, which is basic and polar, at codon 1101 of the TAOK2 protein (p.Gln1101Arg). This variant is present in population databases (rs200281592, gnomAD 0.02%). This variant has not been reported in the literature in individuals affected with TAOK2-related conditions. ClinVar contains an entry for this variant (Variation ID: 1375112). An algorithm developed to predict the effect of missense changes on protein structure and function (PolyPhen-2) suggests that this variant is likely to be disruptive. In summary, the available evidence is currently insufficient to determine the role of this variant in disease. Therefore, it has been classified as a Variant of Uncertain Significance.

Ambry Genetics
Classification: Uncertain significance. Last evaluated: 2024-06-28. Review status: criteria provided, single submitter. Criteria: Ambry Variant Classification Scheme 2023. Collection method: clinical testing. Allele origin: germline.